The following is an entry in ClinVar:

ClinVar aggregate classification (germline): Uncertain significance (1 of 4 stars; one submission).

gnomAD v4.1: 1 of 1,612,230 alleles (0.000062%); highest among the groups gnomAD compares: Non-Finnish European, 0.000085%; no homozygotes.

Submission:

Ambry Genetics
Classification: Uncertain significance. Last evaluated: 2024-06-04. Review status: criteria provided, single submitter. Criteria: Ambry Variant Classification Scheme 2023. Collection method: clinical testing. Allele origin: germline.
Comment: The c.1282T>C (p.C428R) alteration is located in exon (coding exon ) of the SH3RF3 gene. This alteration results from a T to C substitution at nucleotide position 1282, causing the cysteine (C) at amino acid position 428 to be replaced by an arginine (R). Based on insufficient or conflicting evidence, the clinical significance of this alteration remains unclear.

NM_001099289.3(SH3RF3):c.1282T>C (p.Cys428Arg)

Genes: RANBP2 (RAN binding protein 2; plus strand), SH3RF3 (SH3 domain containing ring finger 3; plus strand). Cytogenetic location: 2q13.
Variant type: single nucleotide variant.
Coding change: c.1282T>C on transcript NM_001099289.3 (MANE Select); coding-DNA position 1282, T replaced by C.
Protein change: p.Cys428Arg; replaces cysteine 428 with arginine.
Molecular consequence: missense variant.
Genome position (GRCh38, 1-based): chr2:109,398,926, T>C. VCF-style: chr2-109398926-T-C. GRCh37 (hg19) VCF-style: chr2-110015382-T-C.
Other names: short protein forms C428R.
Identifiers: ClinVar variation 3318142 (VCV003318142.1).